The following is an entry in ClinVar:

GRCh37/hg19 21q11.2-22.11(chr21:15023402-32738832)x3

Genes: ADAMTS1 (ADAM metallopeptidase with thrombospondin type 1 motif 1; minus strand), ADAMTS5 (ADAM metallopeptidase with thrombospondin type 1 motif 5; minus strand), APP (amyloid beta precursor protein; minus strand), ATP5PF (ATP synthase peripheral stalk subunit F6; minus strand), BACH1 (BTB domain and CNC homolog 1; plus strand) and 63 more. Cytogenetic location: 21q11.2-22.11.
Variant type: copy number gain.
Change: copy number 3 (three copies instead of two) of chr21:15,023,402-32,738,832 (17.72 Mb, GRCh37 coordinates, 1-based), cytogenetic band 21q11.2-22.11.
Identifiers: ClinVar variation 4682980 (VCV004682980.1).

ClinVar aggregate classification (germline): Pathogenic (1 of 4 stars; one submission).

Submission:

Quest Diagnostics Nichols Institute San Juan Capistrano
Classification: Pathogenic. Last evaluated: 2025-01-06. Review status: criteria provided, single submitter. Criteria: ACMG/ClinGen CNV Guidelines, 2019. Collection method: clinical testing. Allele origin: unknown.
Comment: This duplication involves the 21q21.3 region, which is associated with autosomal dominant inherited early-onset Alzheimer disease (ADEOAD; OMIM 104300 ISCA-46757). In addition, two similar duplications have been identified in affected individuals (Capkova 2014). Therefore, this copy number variant (CNV) is classified as pathogenic. References: Capkova et al., Biomed Pap Med Fac Univ Palacky Olomouc Czech Repub. 2014 Jun;158(2):321-5., PMID: 24145769